The following is an entry in ClinVar:

NM_001283009.2(RTEL1):c.1460C>T (p.Ser487Phe)

Genes: RTEL1-TNFRSF6B (RTEL1-TNFRSF6B readthrough (NMD candidate); plus strand), RTEL1 (regulator of telomere elongation helicase 1; plus strand). Cytogenetic location: 20q13.33.
Variant type: single nucleotide variant.
Coding change: c.1460C>T on transcript NM_001283009.2 (MANE Select); coding-DNA position 1460, C replaced by T.
Protein change: p.Ser487Phe; replaces serine 487 with phenylalanine.
Molecular consequence: missense variant. On other transcripts: non-coding transcript variant (1).
Genome position (GRCh38, 1-based): chr20:63,687,749, C>T. VCF-style: chr20-63687749-C-T. GRCh37 (hg19) VCF-style: chr20-62319102-C-T.
Other names: c.791C>T, p.Ser264Phe (NM_001283010.1); c.1460C>T, p.Ser487Phe (NM_016434.4); c.1532C>T, p.Ser511Phe (NM_032957.5); short protein forms S487F, S511F, S264F.
Identifiers: ClinVar variation 855029 (VCV000855029.10), dbSNP rs764219586, ClinGen allele CA9964798.
Genomic context (GRCh38, chr20:63,687,749, plus strand): 5'-TGGTCCGCCAGGGCGTCCGCTCCCTCATCCTTACCAGCGGCACGCTGGCCCCGGTGTCCT[C>T]CTTTGCTCTGGAGATGCAGATGTACGGGCCACCCCTGCCAGGGCCTGAGCACCGGTGACA-3'
Protein context (NP_001269938.1, residues 477-497): LTSGTLAPVS[Ser487Phe]FALEMQIPFP

ClinVar aggregate classification (germline): Uncertain significance. Review status: criteria provided, single submitter (1 of 4 stars). 2 submissions from 2 submitters: Uncertain significance (1). 1 of the submissions does not count toward it. Last evaluated 2024-11-13.

Conditions:
Dyskeratosis congenita. Identifiers: Orphanet 1775, MedGen C0265965, MONDO:0015780.
Dyskeratosis congenita, autosomal recessive 5 (DKCB5). Identifiers: MedGen C3554656, MONDO:0014076, OMIM 615190.
Pulmonary fibrosis and/or bone marrow failure, Telomere-related, 3. Also called: PULMONARY FIBROSIS AND/OR BONE MARROW FAILURE SYNDROME, TELOMERE-RELATED, 3. Identifiers: Orphanet 2032, MedGen C4225346, MONDO:0014613, OMIM 616373.

Allele frequency attached by ClinVar (database versions not stated): gnomAD exomes below 0.00001 and 0.00001; ExAC 0.00002.
gnomAD v4.1: 3 of 1,581,348 alleles (0.00019%); highest among the groups gnomAD compares: Admixed American, 0.0054%; no homozygotes.

Submissions (2):

Labcorp Genetics (formerly Invitae), Labcorp
Classification: Uncertain significance for Dyskeratosis congenita, autosomal recessive 5; Pulmonary fibrosis and/or bone marrow failure, Telomere-related, 3. Last evaluated: 2024-11-13. Review status: criteria provided, single submitter. Criteria: Invitae Variant Classification Sherloc (09022015). Collection method: clinical testing. Allele origin: germline.
Comment: This sequence change replaces serine, which is neutral and polar, with phenylalanine, which is neutral and non-polar, at codon 487 of the RTEL1 protein (p.Ser487Phe). This variant is present in population databases (rs764219586, gnomAD 0.007%). This variant has not been reported in the literature in individuals affected with RTEL1-related conditions. ClinVar contains an entry for this variant (Variation ID: 855029). An algorithm developed to predict the effect of missense changes on protein structure and function (PolyPhen-2) suggests that this variant is likely to be disruptive. In summary, the available evidence is currently insufficient to determine the role of this variant in disease. Therefore, it has been classified as a Variant of Uncertain Significance.

Natera, Inc.
Classification: Uncertain significance for Dyskeratosis congenita. Last evaluated: 2021-03-05. Review status: no assertion criteria provided. Collection method: clinical testing. Allele origin: germline. Not counted in ClinVar's aggregate classification.